The following is an entry in ClinVar:

NM_001277115.2(DNAH11):c.575T>A (p.Ile192Lys)

Gene: DNAH11 (dynein axonemal heavy chain 11; plus strand). Cytogenetic location: 7p15.3.
Variant type: single nucleotide variant.
Coding change: c.575T>A on transcript NM_001277115.2 (MANE Select); coding-DNA position 575, T replaced by A.
Protein change: p.Ile192Lys; replaces isoleucine 192 with lysine.
Molecular consequence: missense variant.
Genome position (GRCh38, 1-based): chr7:21,558,881, T>A. VCF-style: chr7-21558881-T-A. GRCh37 (hg19) VCF-style: chr7-21598499-T-A.
Other names: c.575T>A, p.Ile192Lys (NM_003777.3); short protein forms I192K.
Identifiers: ClinVar variation 2107458 (VCV002107458.4), dbSNP rs2534460536, ClinGen allele CA366932417.

ClinVar aggregate classification (germline): Uncertain significance (1 of 4 stars; one submission).

Conditions:
Primary ciliary dyskinesia. Also called: Ciliary dyskinesia. Identifiers: Orphanet 244, MedGen C0008780, MONDO:0016575, HP:0012265.

Submission:

Labcorp Genetics (formerly Invitae), Labcorp
Classification: Uncertain significance for Primary ciliary dyskinesia. Last evaluated: 2025-04-21. Review status: criteria provided, single submitter. Criteria: Invitae Variant Classification Sherloc (09022015). Collection method: clinical testing. Allele origin: germline.
Comment: This sequence change replaces isoleucine, which is neutral and non-polar, with lysine, which is basic and polar, at codon 192 of the DNAH11 protein (p.Ile192Lys). This variant is not present in population databases (gnomAD no frequency). This variant has not been reported in the literature in individuals affected with DNAH11-related conditions. ClinVar contains an entry for this variant (Variation ID: 2107458). Invitae Evidence Modeling of protein sequence and biophysical properties (such as structural, functional, and spatial information, amino acid conservation, physicochemical variation, residue mobility, and thermodynamic stability) indicates that this missense variant is not expected to disrupt DNAH11 protein function with a negative predictive value of 95%. In summary, the available evidence is currently insufficient to determine the role of this variant in disease. Therefore, it has been classified as a Variant of Uncertain Significance.